The following is an entry in ClinVar:

ClinVar aggregate classification (germline): Uncertain significance (1 of 4 stars; one submission).

Submission:

Labcorp Genetics (formerly Invitae), Labcorp
Classification: Uncertain significance. Last evaluated: 2025-03-17. Review status: criteria provided, single submitter. Criteria: Invitae Variant Classification Sherloc (09022015). Collection method: clinical testing. Allele origin: germline.
Comment: This sequence change replaces histidine, which is basic and polar, with proline, which is neutral and non-polar, at codon 777 of the ENPP1 protein (p.His777Pro). This variant is not present in population databases (gnomAD no frequency). This variant has not been reported in the literature in individuals affected with ENPP1-related conditions. ClinVar contains an entry for this variant (Variation ID: 2711588). Invitae Evidence Modeling of protein sequence and biophysical properties (such as structural, functional, and spatial information, amino acid conservation, physicochemical variation, residue mobility, and thermodynamic stability) indicates that this missense variant is expected to disrupt ENPP1 protein function with a positive predictive value of 80%. In summary, the available evidence is currently insufficient to determine the role of this variant in disease. Therefore, it has been classified as a Variant of Uncertain Significance.

NM_006208.3(ENPP1):c.2330A>C (p.His777Pro)

Gene: ENPP1 (ectonucleotide pyrophosphatase/phosphodiesterase 1; plus strand). Cytogenetic location: 6q23.2.
Variant type: single nucleotide variant.
Coding change: c.2330A>C on transcript NM_006208.3 (MANE Select); coding-DNA position 2330, A replaced by C.
Protein change: p.His777Pro; replaces histidine 777 with proline.
Molecular consequence: missense variant.
Genome position (GRCh38, 1-based): chr6:131,884,949, A>C. VCF-style: chr6-131884949-A-C. GRCh37 (hg19) VCF-style: chr6-132206089-A-C.
Other names: short protein forms H777P.
Identifiers: ClinVar variation 2711588 (VCV002711588.3), dbSNP rs147346173, ClinGen allele CA365655965.
Genomic context (GRCh38, chr6:131,884,949, plus strand): 5'-CCTTGTTCTTTTGAAACTACACTGGCTTCTATCTTGTTTCAGTTATATGGCGCTACTTTC[A>C]TGACACCCTACTGCGAAAGTATGCTGAAGAAAGAAATGGTGTCAATGTCGTCAGTGGTCC-3'
Protein context (NP_006199.2, residues 767-787): QSFQVIWRYF[His777Pro]DTLLRKYAEE